The following is an entry in ClinVar:

NM_181426.2(CCDC39):c.526_527del (p.Leu176fs)

Gene: CCDC39 (coiled-coil domain 39 molecular ruler complex subunit; minus strand). Cytogenetic location: 3q26.33.
Variant type: Microsatellite.
Coding change: c.526_527del on transcript NM_181426.2 (MANE Select); coding-DNA positions 526 to 527, 2 bases deleted (CT; older notation c.526_527delCT).
Protein change: p.Leu176fs; shifts the reading frame from leucine 176.
Molecular consequence: frameshift variant.
Genome position (GRCh38, 1-based): chr3:180,659,759-180,659,760, AG deleted on the plus strand (CT on the coding strand, the reverse complement: CCDC39 is on the minus strand); deleting any 2 consecutive bases within chr3:180,659,759-180,659,762 gives the same sequence; the c. name uses the placement nearest the transcript's 3' end. VCF-style (leftmost placement, unchanged base first): chr3-180659758-CAG-C. GRCh37 (hg19) VCF-style: chr3-180377546-CAG-C.
Other names: c.526_527del (NM_181426.1); short protein forms L176fs.
Identifiers: ClinVar variation 188300 (VCV000188300.13), dbSNP rs780175755, ClinGen allele CA334560.

ClinVar aggregate classification (germline): Pathogenic. Review status: criteria provided, multiple submitters, no conflicts (2 of 4 stars). 5 submissions from 5 submitters: Pathogenic (5). Last evaluated 2024-07-24.

Conditions:
CCDC39-related disorder. Also called: CCDC39-related condition.
Primary ciliary dyskinesia. Also called: Ciliary dyskinesia. Identifiers: Orphanet 244, MedGen C0008780, MONDO:0016575, HP:0012265.
Primary ciliary dyskinesia 14. Also called: CILIARY DYSKINESIA, PRIMARY, 14, WITH OR WITHOUT SITUS INVERSUS. Identifiers: Orphanet 244, MedGen C3151136, MONDO:0013434, OMIM 613807.

Submissions (5):

Labcorp Genetics (formerly Invitae), Labcorp
Classification: Pathogenic for Primary ciliary dyskinesia. Last evaluated: 2024-07-24. Review status: criteria provided, single submitter. Criteria: Invitae Variant Classification Sherloc (09022015). Collection method: clinical testing. Allele origin: germline.
Comment: This sequence change creates a premature translational stop signal (p.Leu176Alafs*10) in the CCDC39 gene. It is expected to result in an absent or disrupted protein product. Loss-of-function variants in CCDC39 are known to be pathogenic (PMID: 21131972, 23255504). This variant is present in population databases (rs780175755, gnomAD 0.004%). This premature translational stop signal has been observed in individuals with primary ciliary dyskinesia (PMID: 23255504). ClinVar contains an entry for this variant (Variation ID: 188300). Algorithms developed to predict the effect of sequence changes on RNA splicing suggest that this variant may disrupt the consensus splice site. For these reasons, this variant has been classified as Pathogenic.

GeneDx
Classification: Pathogenic. Last evaluated: 2024-06-13. Review status: criteria provided, single submitter. Criteria: GeneDx Variant Classification Process June 2021. Collection method: clinical testing. Allele origin: germline. Affected: yes.
Comment: Frameshift variant predicted to result in protein truncation or nonsense mediated decay in a gene for which loss of function is a known mechanism of disease; Not observed at significant frequency in large population cohorts (gnomAD); This variant is associated with the following publications: (PMID: 31589614, 33577779, 30029678, 32622824, 32367404, 23255504)

Fulgent Genetics
Classification: Pathogenic for Primary ciliary dyskinesia 14. Last evaluated: 2024-02-20. Review status: criteria provided, single submitter. Criteria: ACMG Guidelines, 2015. Collection method: clinical testing. Allele origin: germline.

3billion
Classification: Pathogenic for Primary ciliary dyskinesia 14. Last evaluated: 2023-02-23. Review status: criteria provided, single submitter. Criteria: ACMG Guidelines, 2015. Collection method: clinical testing. Allele origin: unknown. Affected: yes.
Comment: The variant is observed at an extremely low frequency in the gnomAD v2.1.1 dataset (total allele frequency: 0.002%). This variant was predicted to result in a loss or disruption of normal protein function through nonsense-mediated decay (NMD) or protein truncation. Multiple pathogenic variants are reported downstream of the variant. The variant has been reported to be associated with CCDC39 related disorder (ClinVar ID: VCV000188300 / PMID: 23255504). Therefore, this variant is classified as Pathogenic according to the recommendation of ACMG/AMP guideline.

Blueprint Genetics
Classification: Pathogenic for CCDC39-related disorders. Last evaluated: 2022-08-23. Review status: criteria provided, single submitter. Criteria: ACMG Guidelines, 2015. Collection method: clinical testing. Allele origin: germline. Affected: yes. Observed: 5 variant alleles.

Literature cited by the submitters: PubMed 21131972 (cited by Labcorp Genetics (formerly Invitae), Labcorp); PubMed 23255504 (cited by Labcorp Genetics (formerly Invitae), Labcorp and 3billion).